The following is an entry in ClinVar:

ClinVar aggregate classification (germline): Uncertain significance. Review status: criteria provided, multiple submitters, no conflicts (2 of 4 stars). 2 submissions from 2 submitters: Uncertain significance (2). Last evaluated 2025-08-04.

Allele frequency attached by ClinVar (database versions not stated): ExAC 0.00001; gnomAD 0.00001; gnomAD exomes 0.00001; TOPMed 0.00003.
gnomAD v4.1: 7 of 1,208,184 alleles (0.00058%); highest among the groups gnomAD compares: African/African-American, 0.0053%; no homozygotes.

Submissions (2):

Labcorp Genetics (formerly Invitae), Labcorp
Classification: Uncertain significance. Last evaluated: 2025-08-04. Review status: criteria provided, single submitter. Criteria: Invitae Variant Classification Sherloc (09022015). Collection method: clinical testing. Allele origin: germline.
Comment: This sequence change replaces alanine, which is neutral and non-polar, with threonine, which is neutral and polar, at codon 1015 of the CACNA1F protein (p.Ala1015Thr). This variant is present in population databases (rs782543340, gnomAD 0.008%). This missense change has been observed in individual(s) with cone-rod dystrophy (PMID: 26992781). ClinVar contains an entry for this variant (Variation ID: 1373915). Invitae Evidence Modeling of protein sequence and biophysical properties (such as structural, functional, and spatial information, amino acid conservation, physicochemical variation, residue mobility, and thermodynamic stability) indicates that this missense variant is not expected to disrupt CACNA1F protein function with a negative predictive value of 80%. In summary, the available evidence is currently insufficient to determine the role of this variant in disease. Therefore, it has been classified as a Variant of Uncertain Significance.

Blueprint Genetics
Classification: Uncertain significance. Last evaluated: 2020-09-07. Review status: criteria provided, single submitter. Criteria: ACMG Guidelines, 2015. Collection method: clinical testing. Allele origin: germline.

Literature cited by the submitters: PubMed 26992781 (cited by Labcorp Genetics (formerly Invitae), Labcorp).

NM_001256789.3(CACNA1F):c.3010G>A (p.Ala1004Thr)

Gene: CACNA1F (calcium voltage-gated channel subunit alpha1 F; minus strand). Cytogenetic location: Xp11.23.
Variant type: single nucleotide variant.
Coding change: c.3010G>A on transcript NM_001256789.3 (MANE Select); coding-DNA position 3010, G replaced by A.
Protein change: p.Ala1004Thr; replaces alanine 1004 with threonine.
Molecular consequence: missense variant.
Genome position (GRCh38, 1-based): chrX:49,217,924, C>T on the plus strand (G>A on the coding strand, the complement: CACNA1F is on the minus strand). VCF-style: chrX-49217924-C-T. GRCh37 (hg19) VCF-style: chrX-49074383-C-T.
Other names: c.2848G>A, p.Ala950Thr (NM_001256790.3); c.3043G>A, p.Ala1015Thr (NM_005183.4); short protein forms A1015T, A1004T, A950T.
Identifiers: ClinVar variation 1373915 (VCV001373915.7), dbSNP rs782543340, ClinGen allele CA10410561.